The following is an entry in ClinVar:

NM_014754.3(PTDSS1):c.148A>G (p.Ile50Val)

Gene: PTDSS1 (phosphatidylserine synthase 1; plus strand). Cytogenetic location: 8q22.1.
Variant type: single nucleotide variant.
Coding change: c.148A>G on transcript NM_014754.3 (MANE Select); coding-DNA position 148, A replaced by G.
Protein change: p.Ile50Val; replaces isoleucine 50 with valine.
Molecular consequence: missense variant. On other transcripts: 5 prime UTR variant (1).
Genome position (GRCh38, 1-based): chr8:96,262,188, A>G. VCF-style: chr8-96262188-A-G. GRCh37 (hg19) VCF-style: chr8-97274416-A-G.
Other names: c.-121A>G (NM_001290225.2); short protein forms I50V.
Identifiers: ClinVar variation 2998994 (VCV002998994.3), dbSNP rs1240153836, ClinGen allele CA371752964.

ClinVar aggregate classification (germline): Uncertain significance (1 of 4 stars; one submission).

Allele frequency attached by ClinVar (database versions not stated): gnomAD exomes below 0.00001; TOPMed below 0.00001; gnomAD 0.00001.
gnomAD v4.1: 2 of 1,612,178 alleles (0.00012%); highest among the groups gnomAD compares: African/African-American, 0.0013%; no homozygotes.

Submission:

Labcorp Genetics (formerly Invitae), Labcorp
Classification: Uncertain significance. Last evaluated: 2023-06-12. Review status: criteria provided, single submitter. Criteria: Invitae Variant Classification Sherloc (09022015). Collection method: clinical testing. Allele origin: germline.
Comment: In summary, the available evidence is currently insufficient to determine the role of this variant in disease. Therefore, it has been classified as a Variant of Uncertain Significance. Advanced modeling of protein sequence and biophysical properties (such as structural, functional, and spatial information, amino acid conservation, physicochemical variation, residue mobility, and thermodynamic stability) performed at Invitae indicates that this missense variant is not expected to disrupt PTDSS1 protein function. This variant has not been reported in the literature in individuals affected with PTDSS1-related conditions. This variant is not present in population databases (gnomAD no frequency). This sequence change replaces isoleucine, which is neutral and non-polar, with valine, which is neutral and non-polar, at codon 50 of the PTDSS1 protein (p.Ile50Val).